The following is an entry in ClinVar:

ClinVar aggregate classification (germline): Pathogenic (1 of 4 stars; one submission).

Conditions:
Hereditary pancreatitis (PCTT). Also called: Hereditary chronic pancreatitis; PRSS1-Related Hereditary Pancreatitis. Identifiers: Orphanet 676, MedGen C0238339, MONDO:0008185, OMIM 167800.

Submission:

Labcorp Genetics (formerly Invitae), Labcorp
Classification: Pathogenic for Hereditary pancreatitis. Last evaluated: 2017-10-12. Review status: criteria provided, single submitter. Criteria: Invitae Variant Classification Sherloc (09022015). Collection method: clinical testing. Allele origin: germline.
Comment: A gross deletion of the genomic region encompassing the full coding sequence of the SPINK1 gene has been identified. The boundaries of this event are unknown as the deletion extends beyond the assayed region for this gene and therefore may encompass additional genes. A deletion encompassing the entire coding sequence of the SPINK1 gene has been reported in an individual affected with chronic pancreatitis (PMID: 17681820). Loss-of-function variants in SPINK1 are known to be pathogenic (PMID: 14722925,17681820). For these reasons, this variant has been classified as Pathogenic.

Literature cited by the submitters: PubMed 17681820.

NC_000005.10:g.(?_147824655)_(147831583_?)del

Gene: SPINK1 (serine peptidase inhibitor Kazal type 1; minus strand). Cytogenetic location: 5q32.
Variant type: Deletion.
Identifiers: ClinVar variation 528778 (VCV000528778.1).